The following is an entry in ClinVar:

ClinVar aggregate classification (germline): Uncertain significance (1 of 4 stars; one submission).

Submission:

Ambry Genetics
Classification: Uncertain significance. Last evaluated: 2025-05-31. Review status: criteria provided, single submitter. Criteria: Ambry Variant Classification Scheme 2023. Collection method: clinical testing. Allele origin: germline.
Comment: The p.A528S variant (also known as c.1582G>T), located in coding exon 16 of the KIF1B gene, results from a G to T substitution at nucleotide position 1582. The alanine at codon 528 is replaced by serine, an amino acid with similar properties. This amino acid position is conserved. In addition, the in silico prediction for this alteration is inconclusive. Based on the available evidence, the clinical significance of this variant remains unclear.

NM_001365951.3(KIF1B):c.1720G>T (p.Ala574Ser)

Gene: KIF1B (kinesin family member 1B; plus strand). Cytogenetic location: 1p36.22.
Variant type: single nucleotide variant.
Coding change: c.1720G>T on transcript NM_001365951.3 (MANE Select); coding-DNA position 1720, G replaced by T.
Protein change: p.Ala574Ser; replaces alanine 574 with serine.
Molecular consequence: missense variant.
Genome position (GRCh38, 1-based): chr1:10,295,709, G>T. VCF-style: chr1-10295709-G-T. GRCh37 (hg19) VCF-style: chr1-10355767-G-T.
Other names: c.1720G>T, p.Ala574Ser (NM_001365952.1); c.1582G>T, p.Ala528Ser (NM_001365953.1, NM_015074.3, NM_183416.4); short protein forms A528S, A574S.
Identifiers: ClinVar variation 4043157 (VCV004043157.1).